The following is an entry in ClinVar:

ClinVar aggregate classification (germline): Uncertain significance (1 of 4 stars; one submission).

Allele frequency attached by ClinVar (database versions not stated): gnomAD 0.00002; ExAC 0.00003; gnomAD exomes 0.00005; ESP Exome Variant Server 0.00008.
gnomAD v4.1: 71 of 1,608,844 alleles (0.0044%); highest among the groups gnomAD compares: Non-Finnish European, 0.0055%; no homozygotes.

Submission:

Labcorp Genetics (formerly Invitae), Labcorp
Classification: Uncertain significance. Last evaluated: 2022-06-28. Review status: criteria provided, single submitter. Criteria: Invitae Variant Classification Sherloc (09022015). Collection method: clinical testing. Allele origin: germline.
Comment: This sequence change replaces glycine, which is neutral and non-polar, with arginine, which is basic and polar, at codon 149 of the C7 protein (p.Gly149Arg). This variant is present in population databases (rs377448827, gnomAD 0.007%). This variant has not been reported in the literature in individuals affected with C7-related conditions. Algorithms developed to predict the effect of missense changes on protein structure and function (SIFT, PolyPhen-2, Align-GVGD) all suggest that this variant is likely to be tolerated. In summary, the available evidence is currently insufficient to determine the role of this variant in disease. Therefore, it has been classified as a Variant of Uncertain Significance.

NM_000587.4(C7):c.445G>C (p.Gly149Arg)

Gene: C7 (complement C7; plus strand). Cytogenetic location: 5p13.1.
Variant type: single nucleotide variant.
Coding change: c.445G>C on transcript NM_000587.4 (MANE Select); coding-DNA position 445, G replaced by C.
Protein change: p.Gly149Arg; replaces glycine 149 with arginine.
Molecular consequence: missense variant.
Genome position (GRCh38, 1-based): chr5:40,937,568, G>C. VCF-style: chr5-40937568-G-C. GRCh37 (hg19) VCF-style: chr5-40937670-G-C.
Other names: short protein forms G149R.
Identifiers: ClinVar variation 2082684 (VCV002082684.1), dbSNP rs377448827, ClinGen allele CA3249661.